The following is an entry in ClinVar:

ClinVar aggregate classification (germline): Uncertain significance. Review status: criteria provided, single submitter (1 of 4 stars). 2 submissions from 2 submitters: Uncertain significance (1). 1 of the submissions does not count toward it. Last evaluated 2022-03-19.

Conditions:
Mucopolysaccharidosis, MPS-III-C (MPS3C). Also called: MPS IIIC (Sanfilippo Syndrome Type C); MUCOPOLYSACCHARIDOSIS, TYPE IIIC; Mucopolysaccharidosis type IIIC (Sanfilippo C); mucopolysaccharidosis type 3C; SANFILIPPO SYNDROME C; MPS III C. Identifiers: Orphanet 581, Orphanet 79271, MedGen C0086649, MONDO:0009657, OMIM 252930.
Retinitis pigmentosa 73 (RP73). Identifiers: Orphanet 791, MedGen C4225287, MONDO:0014687, OMIM 616544.

Allele frequency attached by ClinVar (database versions not stated): gnomAD 0.00004; gnomAD exomes 0.00001 and below 0.00001; 1000 Genomes Project 0.00020; 1000 Genomes Project 30x 0.00031; TOPMed 0.00001; ExAC 0.00002.
gnomAD v4.1: 7 of 1,611,832 alleles (0.00043%); highest among the groups gnomAD compares: African/African-American, 0.0093%; no homozygotes.

Submissions (2):

Labcorp Genetics (formerly Invitae), Labcorp
Classification: Uncertain significance for Retinitis pigmentosa 73; Mucopolysaccharidosis, MPS-III-C. Last evaluated: 2022-03-19. Review status: criteria provided, single submitter. Criteria: Invitae Variant Classification Sherloc (09022015). Collection method: clinical testing. Allele origin: germline.
Comment: This sequence change replaces lysine, which is basic and polar, with arginine, which is basic and polar, at codon 598 of the HGSNAT protein (p.Lys598Arg). This variant is present in population databases (rs553588867, gnomAD 0.02%). This variant has not been reported in the literature in individuals affected with HGSNAT-related conditions. ClinVar contains an entry for this variant (Variation ID: 1011146). Advanced modeling of protein sequence and biophysical properties (such as structural, functional, and spatial information, amino acid conservation, physicochemical variation, residue mobility, and thermodynamic stability) performed at Invitae indicates that this missense variant is not expected to disrupt HGSNAT protein function. In summary, the available evidence is currently insufficient to determine the role of this variant in disease. Therefore, it has been classified as a Variant of Uncertain Significance.

Natera, Inc.
Classification: Uncertain significance for Mucopolysaccharidosis type IIIC. Last evaluated: 2020-02-13. Review status: no assertion criteria provided. Collection method: clinical testing. Allele origin: germline. Not counted in ClinVar's aggregate classification.

NM_152419.3(HGSNAT):c.1793A>G (p.Lys598Arg)

Gene: HGSNAT (heparan-alpha-glucosaminide N-acetyltransferase; plus strand). Cytogenetic location: 8p11.21.
Variant type: single nucleotide variant.
Coding change: c.1793A>G on transcript NM_152419.3 (MANE Select); coding-DNA position 1793, A replaced by G.
Protein change: p.Lys598Arg; replaces lysine 598 with arginine.
Molecular consequence: missense variant.
Genome position (GRCh38, 1-based): chr8:43,199,454, A>G. VCF-style: chr8-43199454-A-G. GRCh37 (hg19) VCF-style: chr8-43054597-A-G.
Other names: c.1880A>G, p.Lys627Arg (NM_001363227.2); c.1601A>G, p.Lys534Arg (NM_001363228.2); c.929A>G, p.Lys310Arg (NM_001363229.2); short protein forms K310R, K534R, K598R, K627R.
Identifiers: ClinVar variation 1011146 (VCV001011146.3), dbSNP rs553588867, ClinGen allele CA4737026.